The following is an entry in ClinVar:

NM_004667.6(HERC2):c.5911C>G (p.Leu1971Val)

Gene: HERC2 (HECT and RLD domain containing E3 ubiquitin protein ligase 2; minus strand). Cytogenetic location: 15q13.1.
Variant type: single nucleotide variant.
Coding change: c.5911C>G on transcript NM_004667.6 (MANE Select); coding-DNA position 5911, C replaced by G.
Protein change: p.Leu1971Val; replaces leucine 1971 with valine.
Molecular consequence: missense variant.
Genome position (GRCh38, 1-based): chr15:28,218,606, G>C on the plus strand (C>G on the coding strand, the complement: HERC2 is on the minus strand). VCF-style: chr15-28218606-G-C. GRCh37 (hg19) VCF-style: chr15-28463752-G-C.
Other names: short protein forms L1971V.
Identifiers: ClinVar variation 2507044 (VCV002507044.1), dbSNP rs144780847, ClinGen allele CA391404623.

ClinVar aggregate classification (germline): Uncertain significance (1 of 4 stars; one submission).

gnomAD v4.1: 1 of 1,593,256 alleles (0.000063%); highest among the groups gnomAD compares: African/African-American, 0.0013%; no homozygotes.

Submission:

GeneDx
Classification: Uncertain significance. Last evaluated: 2023-01-03. Review status: criteria provided, single submitter. Criteria: GeneDx Variant Classification Process June 2021. Collection method: clinical testing. Allele origin: germline. Affected: yes.
Comment: Not observed at significant frequency in large population cohorts (gnomAD); In silico analysis supports that this missense variant has a deleterious effect on protein structure/function; Has not been previously published as pathogenic or benign to our knowledge